The following is an entry in ClinVar:

ClinVar aggregate classification (germline): Uncertain significance (1 of 4 stars; one submission).

Conditions:
Rhabdoid tumor predisposition syndrome 2 (RTPS2). Identifiers: Orphanet 231108, Orphanet 69077, MedGen C2750074, MONDO:0013224, OMIM 613325.

Submission:

Labcorp Genetics (formerly Invitae), Labcorp
Classification: Uncertain significance for Rhabdoid tumor predisposition syndrome 2. Last evaluated: 2022-02-08. Review status: criteria provided, single submitter. Criteria: Invitae Variant Classification Sherloc (09022015). Collection method: clinical testing. Allele origin: germline.
Comment: This sequence change replaces glycine, which is neutral and non-polar, with arginine, which is basic and polar, at codon 836 of the SMARCA4 protein (p.Gly836Arg). This variant is not present in population databases (gnomAD no frequency). This variant has not been reported in the literature in individuals affected with SMARCA4-related conditions. ClinVar contains an entry for this variant (Variation ID: 940876). Algorithms developed to predict the effect of missense changes on protein structure and function (SIFT, PolyPhen-2, Align-GVGD) all suggest that this variant is likely to be disruptive. In summary, the available evidence is currently insufficient to determine the role of this variant in disease. Therefore, it has been classified as a Variant of Uncertain Significance.

NM_003072.5(SMARCA4):c.2506G>C (p.Gly836Arg)

Gene: SMARCA4 (SWI/SNF related BAF chromatin remodeling complex subunit ATPase 4; plus strand). Cytogenetic location: 19p13.2.
Variant type: single nucleotide variant.
Coding change: c.2506G>C on transcript NM_003072.5 (MANE Select); coding-DNA position 2506, G replaced by C.
Protein change: p.Gly836Arg; replaces glycine 836 with arginine.
Molecular consequence: missense variant. On other transcripts: non-coding transcript variant (1).
Genome position (GRCh38, 1-based): chr19:11,019,591, G>C. VCF-style: chr19-11019591-G-C. GRCh37 (hg19) VCF-style: chr19-11130267-G-C.
Other names: c.2506G>C, p.Gly836Arg (NM_001128844.3, NM_001128845.2, NM_001128846.2 and 4 more transcripts); short protein forms G836R.
Identifiers: ClinVar variation 940876 (VCV000940876.9), dbSNP rs2089678643, ClinGen allele CA404054125.